The following is an entry in ClinVar:

NM_001127222.2(CACNA1A):c.4827T>G (p.Ser1609=)

Gene: CACNA1A (calcium voltage-gated channel subunit alpha1 A; minus strand). Cytogenetic location: 19p13.13.
Variant type: single nucleotide variant.
Coding change: c.4827T>G on transcript NM_001127222.2 (MANE Select); coding-DNA position 4827, T replaced by G.
Protein change: p.Ser1609=; no amino-acid change (serine 1609 retained).
Molecular consequence: synonymous variant.
Genome position (GRCh38, 1-based): chr19:13,253,030, A>C on the plus strand (T>G on the coding strand, the complement: CACNA1A is on the minus strand). VCF-style: chr19-13253030-A-C. GRCh37 (hg19) VCF-style: chr19-13363844-A-C.
Other names: c.4839T>G, p.Ser1613= (NM_000068.4, NM_023035.3); c.4830T>G, p.Ser1610= (NM_001127221.2, NM_001174080.2).
Identifiers: ClinVar variation 3051432 (VCV003051432.2), dbSNP rs2512719899, ClinGen allele CA505659112.

ClinVar aggregate classification (germline): Likely benign (0 of 4 stars; one submission).

Conditions:
CACNA1A-related disorder. Also called: CACNA1A-related condition.

Submission:

PreventionGenetics, part of Exact Sciences
Classification: Likely benign for CACNA1A-related condition. Last evaluated: 2020-03-03. Review status: no assertion criteria provided. Collection method: clinical testing. Allele origin: germline.
Comment: This variant is classified as likely benign based on ACMG/AMP sequence variant interpretation guidelines (Richards et al. 2015 PMID: 25741868, with internal and published modifications).